The following is an entry in ClinVar:

ClinVar aggregate classification (germline): Likely benign. Review status: criteria provided, single submitter (1 of 4 stars). 2 submissions from 2 submitters: Likely benign (1). 1 of the submissions does not count toward it. Last evaluated 2023-12-19.

Conditions:
ITGB4-related disorder. Also called: ITGB4-related condition.

Allele frequency attached by ClinVar (database versions not stated): gnomAD 0.00001; TOPMed 0.00001.
gnomAD v4.1: 7 of 1,613,118 alleles (0.00043%); highest among the groups gnomAD compares: African/African-American, 0.004%; no homozygotes.

Submissions (2):

Labcorp Genetics (formerly Invitae), Labcorp
Classification: Likely benign. Last evaluated: 2023-12-19. Review status: criteria provided, single submitter. Criteria: Invitae Variant Classification Sherloc (09022015). Collection method: clinical testing. Allele origin: germline.

PreventionGenetics, part of Exact Sciences
Classification: Likely benign for ITGB4-related condition. Last evaluated: 2023-08-23. Review status: no assertion criteria provided. Collection method: clinical testing. Allele origin: germline. Not counted in ClinVar's aggregate classification.
Comment: This variant is classified as likely benign based on ACMG/AMP sequence variant interpretation guidelines (Richards et al. 2015 PMID: 25741868, with internal and published modifications).

NM_000213.5(ITGB4):c.264+7G>A

Gene: ITGB4 (integrin subunit beta 4; plus strand). Cytogenetic location: 17q25.1.
Variant type: single nucleotide variant.
Coding change: c.264+7G>A on transcript NM_000213.5 (MANE Select); 7 bases into the intron after coding-DNA position 264, G replaced by A.
Molecular consequence: intron variant.
Genome position (GRCh38, 1-based): chr17:75,727,512, G>A. VCF-style: chr17-75727512-G-A. GRCh37 (hg19) VCF-style: chr17-73723593-G-A.
Other names: c.264+7G>A (NM_001005619.2, NM_001005731.3, NM_001438834.1 and 1 more transcripts).
Identifiers: ClinVar variation 2781283 (VCV002781283.5), dbSNP rs945470804, ClinGen allele CA294058285.
Genomic context (GRCh38, chr17:75,727,512, plus strand): 5'-GGCTGCCAGCGGGAGAGCATCGTGGTCATGGAGAGCAGCTTCCAAATCACAGAGGTGCCT[G>A]GTGTGGGGACTGGGGTGGGGGCTCCCCATGCTCAGCCTGGCTATTTATGGGGGTGTATAG-3'